The following is an entry in ClinVar:

NM_000435.3(NOTCH3):c.4404C>T (p.Asn1468=)

Gene: NOTCH3 (notch receptor 3; minus strand). Cytogenetic location: 19p13.12.
Variant type: single nucleotide variant.
Coding change: c.4404C>T on transcript NM_000435.3 (MANE Select); coding-DNA position 4404, C replaced by T.
Protein change: p.Asn1468=; no amino-acid change (asparagine 1468 retained).
Molecular consequence: synonymous variant.
Genome position (GRCh38, 1-based): chr19:15,174,400, G>A on the plus strand (C>T on the coding strand, the complement: NOTCH3 is on the minus strand). VCF-style: chr19-15174400-G-A. GRCh37 (hg19) VCF-style: chr19-15285211-G-A.
Other names: p.Asn1468=.
Identifiers: ClinVar variation 1256522 (VCV001256522.42), dbSNP rs145425679, ClinGen allele CA9262915.

ClinVar aggregate classification (germline): Conflicting classifications of pathogenicity. Review status: criteria provided, conflicting classifications (1 of 4 stars). 7 submissions from 7 submitters: Uncertain significance (2); Likely benign (5). Last evaluated 2026-07-01.

Conditions:
Inborn genetic diseases. Identifiers: MedGen C0950123, MeSH D030342.

Allele frequency attached by ClinVar (database versions not stated): gnomAD 0.00007; TOPMed 0.00007; gnomAD exomes 0.00010 and 0.00012; ExAC 0.00012; ESP Exome Variant Server 0.00016; 1000 Genomes Project 0.00020; 1000 Genomes Project 30x 0.00031.
gnomAD v4.1: 173 of 1,519,826 alleles (0.011%); highest among the groups gnomAD compares: Non-Finnish European, 0.014%; no homozygotes.

Submissions (7):

CeGaT Center for Human Genetics Tuebingen
Classification: Likely benign. Last evaluated: 2026-07-01. Review status: criteria provided, single submitter. Criteria: CeGaT Center For Human Genetics Tuebingen Variant Classification Criteria Version 2. Collection method: clinical testing. Allele origin: germline. Affected: yes. Observed: 4 variant alleles.
Comment: NOTCH3: BP4, BP7

Mayo Clinic Laboratories, Mayo Clinic
Classification: Likely benign. Last evaluated: 2025-12-17. Review status: criteria provided, single submitter. Criteria: ACMG Guidelines, 2015. Collection method: clinical testing. Allele origin: germline. Observed: 2 variant alleles.
Comment: BS2, BP1, BP4, BP7

Women's Health and Genetics/Laboratory Corporation of America, LabCorp
Classification: Uncertain significance. Last evaluated: 2025-10-23. Review status: criteria provided, single submitter. Criteria: LabCorp Variant Classification Summary - May 2015. Collection method: clinical testing. Allele origin: germline.
Comment: Variant summary: NOTCH3 c.4404C>T (p.Asn1468Asn) alters a conserved nucleotide located close to a canonical splice site and therefore could affect mRNA splicing, leading to a significantly altered protein sequence. Consensus agreement among computation tools predict no significant impact on normal splicing. However, these predictions have yet to be confirmed by functional studies. The variant allele was found at a frequency of 9.8e-05 in 132858 control chromosomes. This frequency is not significantly higher than estimated for disease-causing variants in NOTCH3, allowing no conclusion about variant significance. To our knowledge, no occurrence of c.4404C>T in individuals affected with NOTCH3-related conditions and no experimental evidence demonstrating its impact on protein function have been reported. ClinVar contains an entry for this variant (Variation ID: 1256522). Based on the evidence outlined above, the variant was classified as uncertain significance.

Athena Diagnostics
Classification: Likely benign. Last evaluated: 2024-11-13. Review status: criteria provided, single submitter. Criteria: Athena Diagnostics Criteria. Collection method: clinical testing. Allele origin: unknown.

Ambry Genetics
Classification: Likely benign for Inborn genetic diseases. Last evaluated: 2024-03-01. Review status: criteria provided, single submitter. Criteria: Ambry Variant Classification Scheme 2023. Collection method: clinical testing. Allele origin: germline.

Labcorp Genetics (formerly Invitae), Labcorp
Classification: Uncertain significance. Last evaluated: 2024-02-12. Review status: criteria provided, single submitter. Criteria: Invitae Variant Classification Sherloc (09022015). Collection method: clinical testing. Allele origin: germline.
Comment: This sequence change affects codon 1468 of the NOTCH3 mRNA. It is a 'silent' change, meaning that it does not change the encoded amino acid sequence of the NOTCH3 protein. It affects a nucleotide within the consensus splice site. This variant is present in population databases (rs145425679, gnomAD 0.02%). This variant has not been reported in the literature in individuals affected with NOTCH3-related conditions. ClinVar contains an entry for this variant (Variation ID: 1256522). Algorithms developed to predict the effect of sequence changes on RNA splicing suggest that this variant is not likely to affect RNA splicing. In summary, the available evidence is currently insufficient to determine the role of this variant in disease. Therefore, it has been classified as a Variant of Uncertain Significance.

Blueprint Genetics
Classification: Likely benign. Last evaluated: 2023-10-27. Review status: criteria provided, single submitter. Criteria: ACMG Guidelines, 2015. Collection method: clinical testing. Allele origin: germline.